The following is an entry in ClinVar:

ClinVar aggregate classification (germline): Uncertain significance (1 of 4 stars; one submission).

Submission:

Labcorp Genetics (formerly Invitae), Labcorp
Classification: Uncertain significance. Last evaluated: 2022-03-10. Review status: criteria provided, single submitter. Criteria: Invitae Variant Classification Sherloc (09022015). Collection method: clinical testing. Allele origin: germline.
Comment: This sequence change replaces glutamine, which is neutral and polar, with lysine, which is basic and polar, at codon 1230 of the LCT protein (p.Gln1230Lys). This variant is not present in population databases (gnomAD no frequency). This variant has not been reported in the literature in individuals affected with LCT-related conditions. Algorithms developed to predict the effect of missense changes on protein structure and function are either unavailable or do not agree on the potential impact of this missense change (SIFT: "Not Available"; PolyPhen-2: "Benign"; Align-GVGD: "Not Available"). In summary, the available evidence is currently insufficient to determine the role of this variant in disease. Therefore, it has been classified as a Variant of Uncertain Significance.

NM_002299.4(LCT):c.3688C>A (p.Gln1230Lys)

Gene: LCT (lactase; minus strand). Cytogenetic location: 2q21.3.
Variant type: single nucleotide variant.
Coding change: c.3688C>A on transcript NM_002299.4 (MANE Select); coding-DNA position 3688, C replaced by A.
Protein change: p.Gln1230Lys; replaces glutamine 1230 with lysine.
Molecular consequence: missense variant.
Genome position (GRCh38, 1-based): chr2:135,808,659, G>T on the plus strand (C>A on the coding strand, the complement: LCT is on the minus strand). VCF-style: chr2-135808659-G-T. GRCh37 (hg19) VCF-style: chr2-136566229-G-T.
Other names: short protein forms Q1230K.
Identifiers: ClinVar variation 2105196 (VCV002105196.4), dbSNP rs774213123, ClinGen allele CA348598847.
Genomic context (GRCh38, chr2:135,808,659, plus strand): 5'-GCGCAGCTCTGTTCATTGCCGTGGAAGGCCACGAAGGGTCCTCCTCCTCAGCCATCTCCT[G>T]GTCGTCTTCGTAGGAGGGTGGGTTTAGCCTGGGTGTTTTGTGCTGCACGATTCTGGAGTA-3'
Protein context (NP_002290.2, residues 1220-1240): RLNPPSYEDD[Gln1230Lys]EMAEEEDPSW